The following is an entry in ClinVar:

NM_003002.4(SDHD):c.69del (p.Pro24fs)

Gene: SDHD (succinate dehydrogenase complex subunit D; plus strand). Cytogenetic location: 11q23.1.
Variant type: Deletion.
Coding change: c.69del on transcript NM_003002.4 (MANE Select); coding-DNA position 69, one base deleted (T; older notation c.69delT).
Protein change: p.Pro24fs; shifts the reading frame from proline 24.
Molecular consequence: frameshift variant. On other transcripts: non-coding transcript variant (1), intron variant (1).
Genome position (GRCh38, 1-based): chr11:112,087,873, T deleted. VCF-style (leftmost placement, unchanged base first): chr11-112087872-CT-C. GRCh37 (hg19) VCF-style: chr11-111958596-CT-C.
Other names: c.69del, p.Pro24fs (NM_001276503.2, NM_001276506.2); c.52+914del (NM_001276504.2); short protein forms P24fs.
Identifiers: ClinVar variation 2567229 (VCV002567229.2), dbSNP rs2498899507, ClinGen allele CA2580615067.
Genomic context (GRCh38, chr11:112,087,872, plus strand): 5'-TTAAAGGAGAGGTTCTTATGATCATCCTAATGACTCTTTCCTCAGCTCTGTTGCTTCGAA[CT>C]CCAGTGGTCAGACCTGCTCATATCTCAGCATTTCTTCAGGACCGACCTATCCCAGAATGG-3'

ClinVar aggregate classification (germline): Pathogenic (1 of 4 stars; one submission).

Conditions:
Hereditary cancer-predisposing syndrome. Also called: Hereditary neoplastic syndrome; Hereditary Cancer Syndrome; Neoplastic Syndromes, Hereditary; Tumor predisposition. Identifiers: Orphanet 140162, MedGen C0027672, MeSH D009386, MONDO:0015356.

Submission:

Ambry Genetics
Classification: Pathogenic for Hereditary cancer-predisposing syndrome. Last evaluated: 2023-05-05. Review status: criteria provided, single submitter. Criteria: Ambry Variant Classification Scheme 2023. Collection method: clinical testing. Allele origin: germline.
Comment: The c.69delT pathogenic mutation, located in coding exon 2 of the SDHD gene, results from a deletion of one nucleotide at nucleotide position 69, causing a translational frameshift with a predicted alternate stop codon (p.P24Qfs*62). This alteration has been observed in at least one individual with a personal and/or family history that is consistent with SDHD-related disease (Ambry internal data). This variant is considered to be rare based on population cohorts in the Genome Aggregation Database (gnomAD). This alteration is expected to result in loss of function by premature protein truncation or nonsense-mediated mRNA decay. As such, this alteration is interpreted as a disease-causing mutation.